The following is an entry in ClinVar:

NM_001903.5(CTNNA1):c.1357_1360del (p.Ser453fs)

Gene: CTNNA1 (catenin alpha 1; plus strand). Cytogenetic location: 5q31.2.
Variant type: Deletion.
Coding change: c.1357_1360del on transcript NM_001903.5 (MANE Select); coding-DNA positions 1357 to 1360, 4 bases deleted (TCTG; older notation c.1357_1360delTCTG).
Protein change: p.Ser453fs; shifts the reading frame from serine 453.
Molecular consequence: frameshift variant. On other transcripts: 5 prime UTR variant (4), initiator codon variant (2), intron variant (3).
Genome position (GRCh38, 1-based): chr5:138,904,409-138,904,412, TCTG deleted; deleting any 4 consecutive bases within chr5:138,904,407-138,904,412 gives the same sequence; the c. name uses the placement nearest the transcript's 3' end. VCF-style (leftmost placement, unchanged base first): chr5-138904406-ATGTC-A. GRCh37 (hg19) VCF-style: chr5-138240095-ATGTC-A.
Other names: c.1357_1360del, p.Ser453fs (NM_001290307.3, NM_001323982.2, NM_001323983.1 and 2 more transcripts); c.1048_1051del, p.Ser350fs (NM_001290309.3); c.988_991del, p.Ser330fs (NM_001290310.3); c.247_250del, p.Ser83fs (NM_001290312.1, NM_001323987.1, NM_001323988.1 and 17 more transcripts); c.-151_-148del (NM_001324006.1, NM_001324007.1, NM_001324008.1 and 1 more transcripts); c.4_7del, p.Ser2fs (NM_001324012.1, NM_001324013.1); c.1297-13333_1297-13330del (NM_001323986.2); c.187-13333_187-13330del (NM_001324011.1); and 1 more; short protein forms S2fs, S330fs, S350fs, S453fs, S83fs.
Identifiers: ClinVar variation 3221878 (VCV003221878.2), dbSNP rs2533353880, ClinGen allele CA2825001394.
Genomic context (GRCh38, chr5:138,904,406, plus strand): 5'-TAGGTTGCCAACTTGGCCTGTTCCATCTCAAATAATGAAGAAGGTGTAAAGCTTGTTCGA[ATGTC>A]TGCAAGCCAGTTAGAAGCCCTCTGTCCTCAGGTAAAGTACAACTGACACTGGTGACAGCA-3'

ClinVar aggregate classification (germline): Pathogenic (1 of 4 stars; one submission).

Conditions:
Hereditary cancer-predisposing syndrome. Also called: Tumor predisposition; Hereditary neoplastic syndrome; Hereditary Cancer Syndrome; Neoplastic Syndromes, Hereditary. Identifiers: Orphanet 140162, MedGen C0027672, MeSH D009386, MONDO:0015356.

Submission:

Ambry Genetics
Classification: Pathogenic for Hereditary cancer-predisposing syndrome. Last evaluated: 2025-07-15. Review status: criteria provided, single submitter. Criteria: Ambry Variant Classification Scheme 2023. Collection method: clinical testing. Allele origin: germline.
Comment: The c.1357_1360delTCTG pathogenic mutation, located in coding exon 9 of the CTNNA1 gene, results from a deletion of 4 nucleotides at nucleotide positions 1357 to 1360, causing a translational frameshift with a predicted alternate stop codon (p.S453Qfs*4). This variant is considered to be rare based on population cohorts in the Genome Aggregation Database (gnomAD). This alteration is expected to result in loss of function by premature protein truncation or nonsense-mediated mRNA decay. As such, this alteration is interpreted as a disease-causing mutation.